The following is an entry in ClinVar:

NM_000291.4(PGK1):c.66-6_66-3del

Gene: PGK1 (phosphoglycerate kinase 1; plus strand). Cytogenetic location: Xq21.1.
Variant type: Deletion.
Coding change: c.66-6_66-3del on transcript NM_000291.4 (MANE Select); 6 bases into the intron before coding-DNA position 66 through 3 bases into the intron before coding-DNA position 66, 4 bases deleted (TTTT; older notation c.66-6_66-3delTTTT).
Molecular consequence: intron variant.
Genome position (GRCh38, 1-based): chrX:78,109,861-78,109,864, TTTT deleted; deleting any 4 consecutive bases within chrX:78,109,859-78,109,864 gives the same sequence; the c. name uses the placement nearest the transcript's 3' end. VCF-style (leftmost placement, unchanged base first): chrX-78109858-CTTTT-C. GRCh37 (hg19) VCF-style: chrX-77365355-CTTTT-C.
Identifiers: ClinVar variation 4083014 (VCV004083014.1).

ClinVar aggregate classification (germline): Uncertain significance (1 of 4 stars; one submission).

Submission:

GeneDx
Classification: Uncertain significance. Last evaluated: 2025-03-13. Review status: criteria provided, single submitter. Criteria: GeneDx Variant Classification Process June 2021. Collection method: clinical testing. Allele origin: germline. Affected: yes.
Comment: Not observed at significant frequency in large population cohorts (gnomAD); Has not been previously published as pathogenic or benign to our knowledge; In silico analysis is inconclusive as to whether the variant alters gene splicing. In the absence of RNA/functional studies, the actual effect of this sequence change is unknown.